The following is an entry in ClinVar:

ClinVar aggregate classification (germline): Benign. Review status: criteria provided, single submitter (1 of 4 stars). 2 submissions from 2 submitters: Benign (1). 1 of the submissions does not count toward it. Last evaluated 2025-08-17.

Conditions:
SFRP4-related disorder. Also called: SFRP4-related condition.

Allele frequency attached by ClinVar (database versions not stated): gnomAD 0.00005 and 0.00007; gnomAD exomes 0.00007 and 0.00032; TOPMed 0.00011; ExAC 0.00029; 1000 Genomes Project 30x 0.00031; 1000 Genomes Project 0.00040.

Submissions (2):

Labcorp Genetics (formerly Invitae), Labcorp
Classification: Benign. Last evaluated: 2025-08-17. Review status: criteria provided, single submitter. Criteria: Invitae Variant Classification Sherloc (09022015). Collection method: clinical testing. Allele origin: germline.

PreventionGenetics, part of Exact Sciences
Classification: Likely benign for SFRP4-related condition. Last evaluated: 2019-06-25. Review status: no assertion criteria provided. Collection method: clinical testing. Allele origin: germline. Not counted in ClinVar's aggregate classification.
Comment: This variant is classified as likely benign based on ACMG/AMP sequence variant interpretation guidelines (Richards et al. 2015 PMID: 25741868, with internal and published modifications).

NM_003014.4(SFRP4):c.915C>T (p.Ala305=)

Gene: SFRP4 (secreted frizzled related protein 4; minus strand). Cytogenetic location: 7p14.1.
Variant type: single nucleotide variant.
Coding change: c.915C>T on transcript NM_003014.4 (MANE Select); coding-DNA position 915, C replaced by T.
Protein change: p.Ala305=; no amino-acid change (alanine 305 retained).
Molecular consequence: synonymous variant.
Genome position (GRCh38, 1-based): chr7:37,907,605, G>A on the plus strand (C>T on the coding strand, the complement: SFRP4 is on the minus strand). VCF-style: chr7-37907605-G-A. GRCh37 (hg19) VCF-style: chr7-37947207-G-A.
Other names: c.915C>T (NM_003014.3).
Identifiers: ClinVar variation 1600043 (VCV001600043.10), dbSNP rs546932583, ClinGen allele CA4222683.